The following is an entry in ClinVar:

NM_001378778.1(MPDZ):c.4200G>C (p.Glu1400Asp)

Gene: MPDZ (multiple PDZ domain crumbs cell polarity complex component; minus strand). Cytogenetic location: 9p23.
Variant type: single nucleotide variant.
Coding change: c.4200G>C on transcript NM_001378778.1 (MANE Select); coding-DNA position 4200, G replaced by C.
Protein change: p.Glu1400Asp; replaces glutamic acid 1400 with aspartic acid.
Molecular consequence: missense variant.
Genome position (GRCh38, 1-based): chr9:13,137,957, C>G on the plus strand (G>C on the coding strand, the complement: MPDZ is on the minus strand). VCF-style: chr9-13137957-C-G. GRCh37 (hg19) VCF-style: chr9-13137956-C-G.
Other names: c.4101G>C, p.Glu1367Asp (NM_001261406.2, NM_001261407.2, NM_001375416.1 and 3 more transcripts); c.4200G>C, p.Glu1400Asp (NM_001330637.2, NM_001375413.1, NM_003829.5); c.3990G>C, p.Glu1330Asp (NM_001375420.1, NM_001375421.1, NM_001375422.1 and 4 more transcripts); c.3792G>C, p.Glu1264Asp (NM_001375427.1); short protein forms E1264D, E1367D, E1330D, E1400D.
Identifiers: ClinVar variation 4711933 (VCV004711933.1).
Genomic context (GRCh38, chr9:13,137,957, plus strand): 5'-TGACAGTTCCATTACCCTTATAAAACAAGAATAAATTCAAAATTTTCCACAAAAACTTAC[C>G]TCTAGAAGCTCATCTGCAATTTGCAATCGACCATCTTTTCCTGCAGCTCCATTTGGATCA-3'
Protein context (NP_001365707.1, residues 1390-1410): GRLQIADELL[Glu1400Asp]INGQILYGRS

ClinVar aggregate classification (germline): Uncertain significance (1 of 4 stars; one submission).

Submission:

Labcorp Genetics (formerly Invitae), Labcorp
Classification: Uncertain significance. Last evaluated: 2025-02-10. Review status: criteria provided, single submitter. Criteria: Invitae Variant Classification Sherloc (09022015). Collection method: clinical testing. Allele origin: germline.
Comment: This sequence change replaces glutamic acid, which is acidic and polar, with aspartic acid, which is acidic and polar, at codon 1400 of the MPDZ protein (p.Glu1400Asp). This variant also falls at the last nucleotide of exon 29, which is part of the consensus splice site for this exon. This variant is not present in population databases (gnomAD no frequency). This variant has not been reported in the literature in individuals affected with MPDZ-related conditions. An algorithm developed to predict the effect of missense changes on protein structure and function (PolyPhen-2) suggests that this variant is likely to be disruptive. Variants that disrupt the consensus splice site are a relatively common cause of aberrant splicing (PMID: 17576681, 9536098). In summary, the available evidence is currently insufficient to determine the role of this variant in disease. Therefore, it has been classified as a Variant of Uncertain Significance.

Literature cited by the submitters: PubMed 17576681; PubMed 9536098.